The following is an entry in ClinVar:

ClinVar aggregate classification (germline): Likely benign. Review status: criteria provided, multiple submitters, no conflicts (2 of 4 stars). 2 submissions from 2 submitters: Likely benign (2). Last evaluated 2024-11-29.

Conditions:
ANKRD1-related dilated cardiomyopathy. Identifiers: MedGen CN119551.

Submissions (2):

Women's Health and Genetics/Laboratory Corporation of America, LabCorp
Classification: Likely benign. Last evaluated: 2024-11-29. Review status: criteria provided, single submitter. Criteria: LabCorp Variant Classification Summary - May 2015. Collection method: clinical testing. Allele origin: germline.
Comment: Variant summary: ANKRD1 c.346-17_346-12delATTTAT alters a nucleotide located at a position not widely known to affect splicing. Consensus agreement among computation tools predict no significant impact on normal splicing. However, these predictions have yet to be confirmed by functional studies. The variant was absent in 213642 control chromosomes. The available data on variant occurrences in the general population are insufficient to allow any conclusion about variant significance. To our knowledge, no occurrence of c.346-17_346-12delATTTAT in individuals affected with Cardiomyopathy and no experimental evidence demonstrating its impact on protein function have been reported. ClinVar contains an entry for this variant (Variation ID: 2085705). Based on the evidence outlined above, the variant was classified as likely benign.

Labcorp Genetics (formerly Invitae), Labcorp
Classification: Likely benign for ANKRD1-related dilated cardiomyopathy. Last evaluated: 2023-02-01. Review status: criteria provided, single submitter. Criteria: Invitae Variant Classification Sherloc (09022015). Collection method: clinical testing. Allele origin: germline.

NM_014391.3(ANKRD1):c.346-17_346-12del

Gene: ANKRD1 (ankyrin repeat domain 1; minus strand). Cytogenetic location: 10q23.31.
Variant type: Deletion.
Coding change: c.346-17_346-12del on transcript NM_014391.3 (MANE Select); 17 bases into the intron before coding-DNA position 346 through 12 bases into the intron before coding-DNA position 346, 6 bases deleted (ATTTAT; older notation c.346-17_346-12delATTTAT).
Molecular consequence: intron variant.
Genome position (GRCh38, 1-based): chr10:90,918,984-90,918,989, ATAAAT deleted on the plus strand (ATTTAT on the coding strand, the reverse complement: ANKRD1 is on the minus strand); deleting any 6 consecutive bases within chr10:90,918,984-90,918,990 gives the same sequence; the c. name uses the placement nearest the transcript's 3' end. VCF-style (leftmost placement, unchanged base first): chr10-90918983-AATAAAT-A. GRCh37 (hg19) VCF-style: chr10-92678740-AATAAAT-A.
Other names: c.346-17_346-12delATTTAT (NM_014391.3).
Identifiers: ClinVar variation 2085705 (VCV002085705.6), dbSNP rs1564574609, ClinGen allele CA918730563.